The following is an entry in ClinVar:

ClinVar aggregate classification (germline): Uncertain significance (1 of 4 stars; one submission).

Allele frequency attached by ClinVar (database versions not stated): gnomAD exomes 0.00002.
gnomAD v4.1: 10 of 1,614,170 alleles (0.00062%); highest among the groups gnomAD compares: East Asian, 0.02%; no homozygotes.

Submission:

Labcorp Genetics (formerly Invitae), Labcorp
Classification: Uncertain significance. Last evaluated: 2022-06-07. Review status: criteria provided, single submitter. Criteria: Invitae Variant Classification Sherloc (09022015). Collection method: clinical testing. Allele origin: germline.
Comment: In summary, the available evidence is currently insufficient to determine the role of this variant in disease. Therefore, it has been classified as a Variant of Uncertain Significance. Algorithms developed to predict the effect of missense changes on protein structure and function are either unavailable or do not agree on the potential impact of this missense change (SIFT: "Deleterious"; PolyPhen-2: "Possibly Damaging"; Align-GVGD: "Class C0"). This variant has not been reported in the literature in individuals affected with RP1-related conditions. This variant is present in population databases (no rsID available, gnomAD 0.003%). This sequence change replaces alanine, which is neutral and non-polar, with threonine, which is neutral and polar, at codon 1182 of the RP1 protein (p.Ala1182Thr).

NM_006269.2(RP1):c.3544G>A (p.Ala1182Thr)

Gene: RP1 (RP1 axonemal microtubule associated; plus strand). Cytogenetic location: 8q12.1.
Variant type: single nucleotide variant.
Coding change: c.3544G>A on transcript NM_006269.2 (MANE Select); coding-DNA position 3544, G replaced by A.
Protein change: p.Ala1182Thr; replaces alanine 1182 with threonine.
Molecular consequence: missense variant. On other transcripts: intron variant (1).
Genome position (GRCh38, 1-based): chr8:54,627,426, G>A. VCF-style: chr8-54627426-G-A. GRCh37 (hg19) VCF-style: chr8-55539986-G-A.
Other names: c.787+5138G>A (NM_001375654.1); short protein forms A1182T.
Identifiers: ClinVar variation 2003154 (VCV002003154.4), dbSNP rs1410457483, ClinGen allele CA370996588.